The following is an entry in ClinVar:

ClinVar aggregate classification (germline): Uncertain significance. Review status: criteria provided, multiple submitters, no conflicts (2 of 4 stars). 3 submissions from 3 submitters: Uncertain significance (3). Last evaluated 2026-09-21.

Conditions:
CEP250-related disorder. Also called: CEP250-related condition.

Allele frequency attached by ClinVar (database versions not stated): ExAC 0.00006; gnomAD exomes 0.00009; TOPMed 0.00009; gnomAD 0.00004.

Submissions (3):

PreventionGenetics, part of Exact Sciences
Classification: Uncertain significance for CEP250-related condition. Last evaluated: 2026-09-21. Review status: criteria provided, single submitter. Criteria: ACMG Guidelines, 2015. Collection method: clinical testing. Allele origin: germline.
Comment: The CEP250 c.3988C>T variant is predicted to result in the amino acid substitution p.Arg1330Trp. To our knowledge, this variant has not been reported in the literature. This variant is reported in 0.054% of alleles in individuals of Latino descent in gnomAD. Although we suspect that this variant may be benign, at this time, the clinical significance of this variant is uncertain due to the absence of conclusive functional and genetic evidence.

Labcorp Genetics (formerly Invitae), Labcorp
Classification: Uncertain significance. Last evaluated: 2026-01-12. Review status: criteria provided, single submitter. Criteria: Invitae Variant Classification Sherloc (09022015). Collection method: clinical testing. Allele origin: germline.
Comment: This sequence change replaces arginine, which is basic and polar, with tryptophan, which is neutral and slightly polar, at codon 1330 of the CEP250 protein (p.Arg1330Trp). This variant is present in population databases (rs773111712, gnomAD 0.05%). This variant has not been reported in the literature in individuals affected with CEP250-related conditions. ClinVar contains an entry for this variant (Variation ID: 844013). An algorithm developed to predict the effect of missense changes on protein structure and function (PolyPhen-2) suggests that this variant is likely to be tolerated. In summary, the available evidence is currently insufficient to determine the role of this variant in disease. Therefore, it has been classified as a Variant of Uncertain Significance.

Ambry Genetics
Classification: Uncertain significance. Last evaluated: 2022-01-26. Review status: criteria provided, single submitter. Criteria: Ambry Variant Classification Scheme 2023. Collection method: clinical testing. Allele origin: germline.

NM_007186.6(CEP250):c.3988C>T (p.Arg1330Trp)

Gene: CEP250 (centrosomal protein 250; plus strand). Cytogenetic location: 20q11.22.
Variant type: single nucleotide variant.
Coding change: c.3988C>T on transcript NM_007186.6 (MANE Select); coding-DNA position 3988, C replaced by T.
Protein change: p.Arg1330Trp; replaces arginine 1330 with tryptophan.
Molecular consequence: missense variant.
Genome position (GRCh38, 1-based): chr20:35,501,934, C>T. VCF-style: chr20-35501934-C-T. GRCh37 (hg19) VCF-style: chr20-34089761-C-T.
Other names: c.2092C>T, p.Arg698Trp (NM_001318219.1); c.3988C>T (NM_007186.3); short protein forms R698W, R1330W.
Identifiers: ClinVar variation 844013 (VCV000844013.8), dbSNP rs773111712, ClinGen allele CA9833627.